The following is an entry in ClinVar:

NM_025243.4(SLC19A3):c.*1427T>C

Gene: SLC19A3 (solute carrier family 19 member 3; minus strand). Cytogenetic location: 2q36.3.
Variant type: single nucleotide variant.
Coding change: c.*1427T>C on transcript NM_025243.4 (MANE Select); 1427 bases downstream of the stop codon, T replaced by C.
Molecular consequence: 3 prime UTR variant.
Genome position (GRCh38, 1-based): chr2:227,685,970, A>G on the plus strand (T>C on the coding strand, the complement: SLC19A3 is on the minus strand). VCF-style: chr2-227685970-A-G. GRCh37 (hg19) VCF-style: chr2-228550686-A-G.
Identifiers: ClinVar variation 334851 (VCV000334851.6), dbSNP rs12105610, ClinGen allele CA10614735.

ClinVar aggregate classification (germline): Benign. Review status: criteria provided, multiple submitters, no conflicts (2 of 4 stars). 2 submissions from 2 submitters: Benign (2). Last evaluated 2018-01-13.

Conditions:
Biotin-responsive basal ganglia disease (BTBGD). Also called: Thiamine Transporter-2 Deficiency; THIAMINE METABOLISM DYSFUNCTION SYNDROME 2 (BIOTIN- AND THIAMINE-RESPONSIVE TYPE); Thiamine metabolism dysfunction syndrome type 2; Thiamine metabolism dysfunction syndrome 2 (biotin- or thiamine-responsive encephalopathy type 2); thiamine-responsive encephalopathy. Identifiers: Orphanet 199348, Orphanet 65284, MedGen C1843807, MONDO:0011841, OMIM 607483.

Allele frequency attached by ClinVar (database versions not stated): gnomAD 0.07459 and 0.07956; TOPMed 0.08324; 1000 Genomes Project 0.08466; 1000 Genomes Project 30x 0.09525.

Submissions (2):

Illumina Laboratory Services, Illumina
Classification: Benign for Biotin-responsive basal ganglia disease. Last evaluated: 2018-01-13. Review status: criteria provided, single submitter. Criteria: ICSL Variant Classification Criteria 13 December 2019. Collection method: clinical testing. Allele origin: germline.
Comment: This variant was observed in the ICSL laboratory as part of a predisposition screen in an ostensibly healthy population. It had not been previously curated by ICSL or reported in the Human Gene Mutation Database (HGMD: prior to June 1st, 2018), and was therefore a candidate for classification through an automated scoring system. Utilizing variant allele frequency, disease prevalence and penetrance estimates, and inheritance mode, an automated score was calculated to assess if this variant is too frequent to cause the disease. Based on the score and internal cut-off values, a variant classified as benign is not then subjected to further curation. The score for this variant resulted in a classification of benign for this disease.

Breakthrough Genomics
Classification: Benign. Review status: criteria provided, single submitter. Criteria: ACMG Guidelines, 2015. Collection method: not provided. Allele origin: germline. Inheritance: Autosomal recessive inheritance. Affected: yes.